The following is an entry in ClinVar:

ClinVar aggregate classification (germline): Benign. Review status: criteria provided, multiple submitters, no conflicts (2 of 4 stars). 8 submissions from 4 submitters: Benign (8). Last evaluated 2026-09-21.

Conditions:
Cardiomyopathy, dilated, with wooly hair, keratoderma, and tooth agenesis. Also called: Erythrokeratodermia-cardiomyopathy syndrome; Cardiomyopathy, dilated, with woolly hair, keratoderma, and tooth agenesis. Identifiers: Orphanet 476096, Orphanet 65282, MedGen C4014393, MONDO:0014355, OMIM 615821.
Woolly hair-skin fragility syndrome (WHSF). Identifiers: Orphanet 293165, MedGen C1843292, MONDO:0957307, OMIM 620415.
Lethal acantholytic epidermolysis bullosa (EBLA). Identifiers: Orphanet 158687, MedGen C1864826, MONDO:0012323, OMIM 609638.
Keratosis palmoplantaris striata 2. Also called: Keratosis palmoplantaris striata II; KERATODERMA, PALMOPLANTAR, STRIATE FORM II; STRIATE PALMOPLANTAR KERATODERMA II. Identifiers: MedGen C1852127, MONDO:0013034, OMIM 612908.
Arrhythmogenic cardiomyopathy with wooly hair and keratoderma. Also called: Arrhythmogenic cardiomyopathy with woolly hair and keratoderma; PALMOPLANTAR KERATODERMA WITH LEFT VENTRICULAR CARDIOMYOPATHY AND WOOLLY HAIR; Dilated cardiomyopathy with woolly hair and keratoderma; Carvajal syndrome. Identifiers: Orphanet 65282, MedGen C1854063, MONDO:0011581, OMIM 605676.

Allele frequency attached by ClinVar (database versions not stated): ESP Exome Variant Server 0.40543; gnomAD 0.41914 and 0.41041; 1000 Genomes Project 0.50899; ExAC 0.45495; 1000 Genomes Project 30x 0.50297; TOPMed 0.43620; gnomAD exomes 0.42806 and 0.46227.
gnomAD v4.1: 676,874 of 1,583,700 alleles (43%); highest among the groups gnomAD compares: East Asian, 79%; 150,193 homozygotes.

Submissions (8):

Molecular Diagnostic Laboratory for Inherited Cardiovascular Disease, Montreal Heart Institute
Classification: Benign. Last evaluated: 2026-09-21. Review status: criteria provided, single submitter. Criteria: ACMG Guidelines, 2015. Collection method: clinical testing. Allele origin: germline. Affected: no.

Genome-Nilou Lab
Classification: Benign for Arrhythmogenic cardiomyopathy with wooly hair and keratoderma. Last evaluated: 2021-07-30. Review status: criteria provided, single submitter. Criteria: ACMG Guidelines, 2015. Collection method: clinical testing. Allele origin: germline. Affected: no.

Genome-Nilou Lab
Classification: Benign for Cardiomyopathy, dilated, with wooly hair, keratoderma, and tooth agenesis. Last evaluated: 2021-07-30. Review status: criteria provided, single submitter. Criteria: ACMG Guidelines, 2015. Collection method: clinical testing. Allele origin: germline. Affected: no.

Genome-Nilou Lab
Classification: Benign for Lethal acantholytic epidermolysis bullosa. Last evaluated: 2021-07-30. Review status: criteria provided, single submitter. Criteria: ACMG Guidelines, 2015. Collection method: clinical testing. Allele origin: germline. Affected: no.

Genome-Nilou Lab
Classification: Benign for Keratosis palmoplantaris striata 2. Last evaluated: 2021-07-30. Review status: criteria provided, single submitter. Criteria: ACMG Guidelines, 2015. Collection method: clinical testing. Allele origin: germline. Affected: no.

Genome-Nilou Lab
Classification: Benign for Arrhythmogenic cardiomyopathy with wooly hair and keratoderma. Last evaluated: 2021-07-30. Review status: criteria provided, single submitter. Criteria: ACMG Guidelines, 2015. Collection method: clinical testing. Allele origin: germline. Affected: no.

GeneDx
Classification: Benign. Last evaluated: 2018-06-15. Review status: criteria provided, single submitter. Criteria: GeneDx Variant Classification (06012015). Collection method: clinical testing. Allele origin: germline. Affected: yes.
Comment: This variant is considered likely benign or benign based on one or more of the following criteria: it is a conservative change, it occurs at a poorly conserved position in the protein, it is predicted to be benign by multiple in silico algorithms, and/or has population frequency not consistent with disease.

PreventionGenetics, part of Exact Sciences
Classification: Benign. Review status: criteria provided, single submitter. Criteria: ACMG Guidelines, 2015. Collection method: clinical testing. Allele origin: germline.

NM_004415.4(DSP):c.1904-49T>A

Gene: DSP (desmoplakin; plus strand). Cytogenetic location: 6p24.3.
Variant type: single nucleotide variant.
Coding change: c.1904-49T>A on transcript NM_004415.4 (MANE Select); 49 bases into the intron before coding-DNA position 1904, T replaced by A.
Molecular consequence: intron variant.
Genome position (GRCh38, 1-based): chr6:7,571,793, T>A. VCF-style: chr6-7571793-T-A. GRCh37 (hg19) VCF-style: chr6-7572026-T-A.
Other names: c.1904-49T>A (NM_004415.3, LRG_423t1, NM_001319034.2 and 1 more transcripts).
Identifiers: ClinVar variation 259382 (VCV000259382.6), dbSNP rs2076303, ClinGen allele CA030803.